The following is an entry in ClinVar:

ClinVar aggregate classification (germline): Uncertain significance (1 of 4 stars; one submission).

Conditions:
Primary ciliary dyskinesia 6. Also called: Primary Ciliary Dyskinesia 6: TXNDC3-Related Primary Ciliary Dyskinesia. Identifiers: Orphanet 244, MedGen C1970506, MONDO:0012571, OMIM 610852.

Submission:

Labcorp Genetics (formerly Invitae), Labcorp
Classification: Uncertain significance for Primary ciliary dyskinesia 6. Last evaluated: 2023-10-27. Review status: criteria provided, single submitter. Criteria: Invitae Variant Classification Sherloc (09022015). Collection method: clinical testing. Allele origin: germline.
Comment: This variant, c.259_264del, results in the deletion of 2 amino acid(s) of the NME8 protein (p.Leu87_Phe88del), but otherwise preserves the integrity of the reading frame. This variant is not present in population databases (gnomAD no frequency). This variant has not been reported in the literature in individuals affected with NME8-related conditions. Experimental studies and prediction algorithms are not available or were not evaluated, and the functional significance of this variant is currently unknown. In summary, the available evidence is currently insufficient to determine the role of this variant in disease. Therefore, it has been classified as a Variant of Uncertain Significance.

NM_016616.5(NME8):c.259_264del (p.Leu87_Phe88del)

Gene: NME8 (NME/NM23 family member 8; plus strand). Cytogenetic location: 7p14.1.
Variant type: Deletion.
Coding change: c.259_264del on transcript NM_016616.5 (MANE Select); coding-DNA positions 259 to 264, 6 bases deleted (CTCTTT; older notation c.259_264delCTCTTT).
Protein change: p.Leu87_Phe88del.
Molecular consequence: inframe deletion.
Genome position (GRCh38, 1-based): chr7:37,857,334-37,857,339, CTCTTT deleted; deleting any 6 consecutive bases within chr7:37,857,331-37,857,339 gives the same sequence; the c. name uses the placement nearest the transcript's 3' end. VCF-style (leftmost placement, unchanged base first): chr7-37857330-TTTTCTC-T. GRCh37 (hg19) VCF-style: chr7-37896932-TTTTCTC-T.
Identifiers: ClinVar variation 2867643 (VCV002867643.3), dbSNP rs1368750624, ClinGen allele CA367220202.